The following is an entry in ClinVar:

NM_004859.4(CLTC):c.2429G>A (p.Ser810Asn)

Gene: CLTC (clathrin heavy chain; plus strand). Cytogenetic location: 17q23.1.
Variant type: single nucleotide variant.
Coding change: c.2429G>A on transcript NM_004859.4 (MANE Select); coding-DNA position 2429, G replaced by A.
Protein change: p.Ser810Asn; replaces serine 810 with asparagine.
Molecular consequence: missense variant.
Genome position (GRCh38, 1-based): chr17:59,674,711, G>A. VCF-style: chr17-59674711-G-A. GRCh37 (hg19) VCF-style: chr17-57752072-G-A.
Other names: c.2441G>A, p.Ser814Asn (NM_001288653.2); short protein forms S810N, S814N.
Identifiers: ClinVar variation 3369906 (VCV003369906.1).

ClinVar aggregate classification (germline): Uncertain significance (1 of 4 stars; one submission).

Submission:

GeneDx
Classification: Uncertain significance. Last evaluated: 2024-03-03. Review status: criteria provided, single submitter. Criteria: GeneDx Variant Classification Process June 2021. Collection method: clinical testing. Allele origin: germline. Affected: yes.
Comment: Not observed at significant frequency in large population cohorts (gnomAD); In silico analysis supports that this missense variant does not alter protein structure/function; Has not been previously published as pathogenic or benign to our knowledge